The following is an entry in ClinVar:

NM_014336.5(AIPL1):c.784+20C>T

Gene: AIPL1 (AIP like 1 HSP90 co-chaperone; minus strand). Cytogenetic location: 17p13.2.
Variant type: single nucleotide variant.
Coding change: c.784+20C>T on transcript NM_014336.5 (MANE Select); 20 bases into the intron after coding-DNA position 784, C replaced by T.
Molecular consequence: intron variant. On other transcripts: synonymous variant (1).
Genome position (GRCh38, 1-based): chr17:6,426,595, G>A on the plus strand (C>T on the coding strand, the complement: AIPL1 is on the minus strand). VCF-style: chr17-6426595-G-A. GRCh37 (hg19) VCF-style: chr17-6329915-G-A.
Other names: c.780C>T (NM_001285403.2); c.780C>T, p.Gly260= (NM_001285403.4); c.604+20C>T (NM_001033055.3); c.718+20C>T (NM_001285400.3); c.748+20C>T (NM_001285399.3); c.595+20C>T (NM_001033054.3); c.712+20C>T (NM_001285401.3); c.667+20C>T (NM_001285402.2).
Identifiers: ClinVar variation 3021916 (VCV003021916.4), dbSNP rs760277261, ClinGen allele CA8328399.

ClinVar aggregate classification (germline): Likely benign. Review status: criteria provided, multiple submitters, no conflicts (2 of 4 stars). 2 submissions from 2 submitters: Likely benign (2). Last evaluated 2026-04-13.

Conditions:
Leber congenital amaurosis 4 (LCA4). Identifiers: MedGen C1858386, MONDO:0011458, OMIM 604393.
AIPL1-related disorder. Also called: AIPL1-related condition; AIPL1-related disorders. Identifiers: MedGen CN239169.

Allele frequency attached by ClinVar (database versions not stated): gnomAD 0.00001; TOPMed 0.00001; ExAC 0.00003.
gnomAD v4.1: 22 of 1,611,176 alleles (0.0014%); highest among the groups gnomAD compares: South Asian, 0.0033%; no homozygotes.

Submissions (2):

PreventionGenetics, part of Exact Sciences
Classification: Likely benign for AIPL1-related condition. Last evaluated: 2026-04-13. Review status: criteria provided, single submitter. Criteria: ACMG Guidelines, 2015. Collection method: clinical testing. Allele origin: germline.
Comment: This variant is classified as likely benign based on ACMG/AMP sequence variant interpretation guidelines (Richards et al. 2015 PMID: 25741868, with internal and published modifications).

Labcorp Genetics (formerly Invitae), Labcorp
Classification: Likely benign for Leber congenital amaurosis 4. Last evaluated: 2024-02-02. Review status: criteria provided, single submitter. Criteria: Invitae Variant Classification Sherloc (09022015). Collection method: clinical testing. Allele origin: germline.